The following is an entry in ClinVar:

ClinVar aggregate classification (germline): Pathogenic/Likely pathogenic. Review status: criteria provided, multiple submitters, no conflicts (2 of 4 stars). 3 submissions from 2 submitters: Pathogenic (1); Likely pathogenic (1). 1 of the submissions does not count toward it. Last evaluated 2024-10-04.

Conditions:
Megacystis-microcolon-intestinal hypoperistalsis syndrome 2. Identifiers: MedGen C5543476, MONDO:0025708, OMIM 619351.
Megacystis, microcolon, hypoperistalsis syndrome. Also called: Megacystis-microcolon-intestinal hypoperistalsis syndrome; Berdon syndrome. Identifiers: Orphanet 2241, MedGen C1608393, MONDO:0025986.

Submissions (3):

Dubai Health Genomic Medicine Center, Dubai Health
Classification: Likely pathogenic for Megacystis-microcolon-intestinal hypoperistalsis syndrome 2. Last evaluated: 2024-10-04. Review status: criteria provided, single submitter. Criteria: ACMG Guidelines, 2015. Collection method: research. Allele origin: germline. Affected: yes.
Comment: PVS1,PM2

Genomic Medicine Center of Excellence, King Faisal Specialist Hospital and Research Centre
Classification: Pathogenic for Megacystis-microcolon-intestinal hypoperistalsis syndrome 2. Last evaluated: 2024-03-17. Review status: criteria provided, single submitter. Criteria: ACMG Guidelines, 2015. Collection method: research. Allele origin: germline.

Genomic Medicine Center of Excellence, King Faisal Specialist Hospital and Research Centre
Classification: Pathogenic for Megacystis-microcolon-intestinal hypoperistalsis syndrome 1. Last evaluated: 2021-04-29. Review status: no assertion criteria provided. Collection method: research. Allele origin: germline. Affected: yes. Not counted in ClinVar's aggregate classification.

NM_002474.3(MYH11):c.1033+1G>A

Gene: MYH11 (myosin heavy chain 11; minus strand). Cytogenetic location: 16p13.11.
Variant type: single nucleotide variant.
Coding change: c.1033+1G>A on transcript NM_002474.3 (MANE Select); the canonical splice donor site of the intron after coding-DNA position 1033, G replaced by A.
Molecular consequence: splice donor variant.
Genome position (GRCh38, 1-based): chr16:15,771,568, C>T on the plus strand (G>A on the coding strand, the complement: MYH11 is on the minus strand). VCF-style: chr16-15771568-C-T. GRCh37 (hg19) VCF-style: chr16-15865425-C-T.
Other names: c.1033+1G>A (NM_022844.3); c.1054+1G>A (NM_001040114.2, NM_001040113.2).
Identifiers: ClinVar variation 1252066 (VCV001252066.4), dbSNP rs112534511, ClinGen allele CA394867457.